The following is an entry in ClinVar:

NM_006208.3(ENPP1):c.1024G>A (p.Gly342Ser)

Gene: ENPP1 (ectonucleotide pyrophosphatase/phosphodiesterase 1; plus strand). Cytogenetic location: 6q23.2.
Variant type: single nucleotide variant.
Coding change: c.1024G>A on transcript NM_006208.3 (MANE Select); coding-DNA position 1024, G replaced by A.
Protein change: p.Gly342Ser; replaces glycine 342 with serine.
Molecular consequence: missense variant.
Genome position (GRCh38, 1-based): chr6:131,861,703, G>A. VCF-style: chr6-131861703-G-A. GRCh37 (hg19) VCF-style: chr6-132182843-G-A.
Other names: short protein forms G342S.
Identifiers: ClinVar variation 4703526 (VCV004703526.1).

ClinVar aggregate classification (germline): Uncertain significance (1 of 4 stars; one submission).

gnomAD v4.1: 5 of 1,532,718 alleles (0.00033%); highest among the groups gnomAD compares: African/African-American, 0.0014%; no homozygotes.

Submission:

Labcorp Genetics (formerly Invitae), Labcorp
Classification: Uncertain significance. Last evaluated: 2025-09-02. Review status: criteria provided, single submitter. Criteria: Invitae Variant Classification Sherloc (09022015). Collection method: clinical testing. Allele origin: germline.
Comment: This sequence change replaces glycine, which is neutral and non-polar, with serine, which is neutral and polar, at codon 342 of the ENPP1 protein (p.Gly342Ser). This variant is present in population databases (rs753699012, gnomAD 0.007%). This variant has not been reported in the literature in individuals affected with ENPP1-related conditions. An algorithm developed to predict the effect of missense changes on protein structure and function outputs the following: PolyPhen-2: "Benign". The serine amino acid residue is found in multiple mammalian species, which suggests that this missense change does not adversely affect protein function. This variant disrupts the p.Gly342 amino acid residue in ENPP1. Other variant(s) that disrupt this residue have been determined to be pathogenic (PMID: 15940697). This suggests that this residue is clinically significant, and that variants that disrupt this residue are likely to be disease-causing. In summary, the available evidence is currently insufficient to determine the role of this variant in disease. Therefore, it has been classified as a Variant of Uncertain Significance.

Literature cited by the submitters: PubMed 15940697.